The following is an entry in ClinVar:

ClinVar aggregate classification (germline): Uncertain significance (0 of 4 stars; one submission).

Conditions:
SLC9A6-related disorder. Also called: SLC9A6-related condition.

Submission:

PreventionGenetics, part of Exact Sciences
Classification: Uncertain significance for SLC9A6-related condition. Last evaluated: 2024-08-01. Review status: no assertion criteria provided. Collection method: clinical testing. Allele origin: germline.
Comment: The SLC9A6 c.290G>C variant is predicted to result in the amino acid substitution p.Arg97Pro. To our knowledge, this variant has not been reported in the literature or in a large population database, indicating this variant is rare. At this time, the clinical significance of this variant is uncertain due to the absence of conclusive functional and genetic evidence.

NM_001379110.1(SLC9A6):c.134G>C (p.Arg45Pro)

Genes: SLC9A6 (solute carrier family 9 member A6; plus strand), LOC130068747 (ATAC-STARR-seq lymphoblastoid active region 29988; plus strand). Cytogenetic location: Xq26.3.
Variant type: single nucleotide variant.
Coding change: c.134G>C on transcript NM_001379110.1 (MANE Select); coding-DNA position 134, G replaced by C.
Protein change: p.Arg45Pro; replaces arginine 45 with proline.
Molecular consequence: missense variant.
Genome position (GRCh38, 1-based): chrX:135,985,792, G>C. VCF-style: chrX-135985792-G-C. GRCh37 (hg19) VCF-style: chrX-135067951-G-C.
Other names: c.290G>C, p.Arg97Pro (NM_001042537.2, NM_006359.3); c.134G>C, p.Arg45Pro (NM_001177651.2, NM_001330652.2, NM_001400909.1 and 4 more transcripts); short protein forms R45P, R97P.
Identifiers: ClinVar variation 3344691 (VCV003344691.1).
Genomic context (GRCh38, chrX:135,985,792, plus strand): 5'-TCATCCTGCTGCTCACCCTCACCATTCTCACAATCTGGCTCTTCAAGCACCGCCGGGCCC[G>C]CTTCCTGCACGAAACCGGCCTGGCTATGATTTATGGCAAGTTCCTCAACCCTTGTCAGCC-3'
Protein context (NP_001366039.1, residues 35-55): TIWLFKHRRA[Arg45Pro]FLHETGLAMI